The following is an entry in ClinVar:

ClinVar aggregate classification (germline): Uncertain significance (1 of 4 stars; one submission).

Allele frequency attached by ClinVar (database versions not stated): gnomAD exomes below 0.00001; TOPMed below 0.00001; ExAC 0.00001; gnomAD 0.00001.
gnomAD v4.1: 3 of 1,614,030 alleles (0.00019%); highest among the groups gnomAD compares: Non-Finnish European, 0.00025%; no homozygotes.

Submission:

Labcorp Genetics (formerly Invitae), Labcorp
Classification: Uncertain significance. Last evaluated: 2022-06-08. Review status: criteria provided, single submitter. Criteria: Invitae Variant Classification Sherloc (09022015). Collection method: clinical testing. Allele origin: germline.
Comment: In summary, the available evidence is currently insufficient to determine the role of this variant in disease. Therefore, it has been classified as a Variant of Uncertain Significance. This variant has not been reported in the literature in individuals affected with DHX38-related conditions. This variant is present in population databases (rs760196914, gnomAD 0.0009%). This sequence change creates a premature translational stop signal (p.Gln1017*) in the DHX38 gene. It is expected to result in an absent or disrupted protein product. However, the current clinical and genetic evidence is not sufficient to establish whether loss-of-function variants in DHX38 cause disease.

NM_014003.4(DHX38):c.3049C>T (p.Gln1017Ter)

Genes: DHX38 (DEAH-box helicase 38; plus strand), LOC126862391 (CDK7 strongly-dependent group 2 enhancer GRCh37_chr16:72141414-72142613; plus strand). Cytogenetic location: 16q22.2.
Variant type: single nucleotide variant.
Coding change: c.3049C>T on transcript NM_014003.4 (MANE Select); coding-DNA position 3049, C replaced by T.
Protein change: p.Gln1017Ter; replaces glutamine 1017 with a stop codon.
Molecular consequence: nonsense.
Genome position (GRCh38, 1-based): chr16:72,108,311, C>T. VCF-style: chr16-72108311-C-T. GRCh37 (hg19) VCF-style: chr16-72142210-C-T.
Other names: short protein forms Q1017*.
Identifiers: ClinVar variation 2090919 (VCV002090919.2), dbSNP rs760196914, ClinGen allele CA8160853.